The following is an entry in ClinVar:

ClinVar aggregate classification (germline): Uncertain significance (1 of 4 stars; one submission).

Allele frequency attached by ClinVar (database versions not stated): gnomAD exomes below 0.00001.
gnomAD v4.1: 2 of 1,614,206 alleles (0.00012%); highest among the groups gnomAD compares: Non-Finnish European, 0.00017%; no homozygotes.

Submission:

GeneDx
Classification: Uncertain significance. Last evaluated: 2019-10-15. Review status: criteria provided, single submitter. Criteria: GeneDx Variant Classification Process June 2021. Collection method: clinical testing. Allele origin: germline. Affected: yes.
Comment: Has not been previously published as pathogenic or benign to our knowledge; Not observed at a significant frequency in large population cohorts (Lek et al., 2016); In silico analysis, which includes protein predictors and evolutionary conservation, supports a deleterious effect

NM_000540.3(RYR1):c.14486C>T (p.Ser4829Phe)

Gene: RYR1 (ryanodine receptor 1; plus strand). Cytogenetic location: 19q13.2.
Variant type: single nucleotide variant.
Coding change: c.14486C>T on transcript NM_000540.3 (MANE Select); coding-DNA position 14486, C replaced by T.
Protein change: p.Ser4829Phe; replaces serine 4829 with phenylalanine.
Molecular consequence: missense variant.
Genome position (GRCh38, 1-based): chr19:38,580,103, C>T. VCF-style: chr19-38580103-C-T. GRCh37 (hg19) VCF-style: chr19-39070743-C-T.
Other names: c.14471C>T, p.Ser4824Phe (NM_001042723.2); short protein forms S4824F, S4829F.
Identifiers: ClinVar variation 1309127 (VCV001309127.2), dbSNP rs1268840179, ClinGen allele CA405687361.